The following is an entry in ClinVar:

ClinVar aggregate classification (germline): Uncertain significance. Review status: criteria provided, single submitter (1 of 4 stars). 2 submissions from 2 submitters: Uncertain significance (1). 1 of the submissions does not count toward it. Last evaluated 2023-04-14.

Conditions:
Peutz-Jeghers syndrome (PJS). Also called: POLYPOSIS, HAMARTOMATOUS INTESTINAL; POLYPS-AND-SPOTS SYNDROME; Peutz-Jeghers polyposis; Periorificial lentiginosis syndrome. Identifiers: Orphanet 2869, MedGen C0031269, MeSH D010580, MONDO:0008280, OMIM 175200.

Submissions (2):

Labcorp Genetics (formerly Invitae), Labcorp
Classification: Uncertain significance for Peutz-Jeghers syndrome. Last evaluated: 2023-04-14. Review status: criteria provided, single submitter. Criteria: Invitae Variant Classification Sherloc (09022015). Collection method: clinical testing. Allele origin: germline.
Comment: In summary, the available evidence is currently insufficient to determine the role of this variant in disease. Therefore, it has been classified as a Variant of Uncertain Significance. Advanced modeling of protein sequence and biophysical properties (such as structural, functional, and spatial information, amino acid conservation, physicochemical variation, residue mobility, and thermodynamic stability) performed at Invitae indicates that this missense variant is expected to disrupt STK11 protein function. ClinVar contains an entry for this variant (Variation ID: 1344544). This variant has not been reported in the literature in individuals affected with STK11-related conditions. This variant is not present in population databases (gnomAD no frequency). This sequence change replaces valine, which is neutral and non-polar, with aspartic acid, which is acidic and polar, at codon 110 of the STK11 protein (p.Val110Asp).

Molecular Diagnostics Laboratory, Barretos Cancer Hospital
Classification: Likely pathogenic for Peutz-Jeghers syndrome. Last evaluated: 2022-02-01. Review status: no assertion criteria provided. Collection method: clinical testing. Allele origin: germline. Inheritance: Autosomal dominant inheritance. Affected: yes. Observed: 1 heterozygote. Not counted in ClinVar's aggregate classification.

NM_000455.5(STK11):c.329T>A (p.Val110Asp)

Gene: STK11 (serine/threonine kinase 11; plus strand). Cytogenetic location: 19p13.3.
Variant type: single nucleotide variant.
Coding change: c.329T>A on transcript NM_000455.5 (MANE Select); coding-DNA position 329, T replaced by A.
Protein change: p.Val110Asp; replaces valine 110 with aspartic acid.
Molecular consequence: missense variant.
Genome position (GRCh38, 1-based): chr19:1,218,455, T>A. VCF-style: chr19-1218455-T-A. GRCh37 (hg19) VCF-style: chr19-1218454-T-A.
Other names: short protein forms V110D.
Identifiers: ClinVar variation 1344544 (VCV001344544.5), dbSNP rs2145420687, ClinGen allele CA402947742.